The following is an entry in ClinVar:

ClinVar aggregate classification (germline): Pathogenic (1 of 4 stars; one submission).

Submission:

Labcorp Genetics (formerly Invitae), Labcorp
Classification: Pathogenic. Last evaluated: 2023-10-28. Review status: criteria provided, single submitter. Criteria: Invitae Variant Classification Sherloc (09022015). Collection method: clinical testing. Allele origin: germline.
Comment: This sequence change creates a premature translational stop signal (p.Ser129Alafs*18) in the LZTR1 gene. It is expected to result in an absent or disrupted protein product. Loss-of-function variants in LZTR1 are known to be pathogenic (PMID: 24362817, 25335493, 25480913, 25795793, 29469822, 30368668, 30442762, 30442766, 30481304, 30859559). This variant is not present in population databases (gnomAD no frequency). This variant has not been reported in the literature in individuals affected with LZTR1-related conditions. For these reasons, this variant has been classified as Pathogenic.

Literature cited by the submitters: PubMed 24362817; PubMed 25335493; PubMed 25480913; PubMed 25795793; PubMed 29469822; PubMed 30368668; PubMed 30442762; PubMed 30442766; PubMed 30481304; PubMed 30859559.

NM_006767.4(LZTR1):c.385del (p.Ser129fs)

Gene: LZTR1 (leucine zipper like post translational regulator 1; plus strand). Cytogenetic location: 22q11.21.
Variant type: Deletion.
Coding change: c.385del on transcript NM_006767.4 (MANE Select); coding-DNA position 385, one base deleted (A; older notation c.385delA).
Protein change: p.Ser129fs; shifts the reading frame from serine 129.
Molecular consequence: frameshift variant.
Genome position (GRCh38, 1-based): chr22:20,987,568, A deleted. VCF-style (leftmost placement, unchanged base first): chr22-20987567-CA-C. GRCh37 (hg19) VCF-style: chr22-21341856-CA-C.
Other names: short protein forms S129fs.
Identifiers: ClinVar variation 2772209 (VCV002772209.3), dbSNP rs2518612564, ClinGen allele CA2697547666.